The following is an entry in ClinVar:

ClinVar aggregate classification (germline): Pathogenic/Likely pathogenic. Review status: criteria provided, multiple submitters, no conflicts (2 of 4 stars). 5 submissions from 5 submitters: Pathogenic (2); Likely pathogenic (1). 2 of the submissions do not count toward it. Last evaluated 2025-04-21.

Conditions:
Congenital adrenal hyperplasia. Identifiers: Orphanet 418, MedGen C0001627, MONDO:0018479, HP:0008258.
Deficiency of steroid 11-beta-monooxygenase (CYP11B1). Also called: ADRENAL HYPERPLASIA, CONGENITAL, DUE TO STEROID 11-BETA-HYDROXYLASE DEFICIENCY; 11-BETA-HYDROXYLASE DEFICIENCY; P450C11B1 DEFICIENCY; STEROID 11-BETA-HYDROXYLASE DEFICIENCY; Congenital adrenal hyperplasia due to 11-beta-hydroxylase deficiency; ADRENAL HYPERPLASIA IV. Identifiers: Orphanet 90795, MedGen C0268292, MONDO:0008729, OMIM 202010. Disease mechanism: loss of function.

Allele frequency attached by ClinVar (database versions not stated): gnomAD exomes below 0.00001; TOPMed below 0.00001; gnomAD 0.00001.
gnomAD v4.1: 5 of 1,614,086 alleles (0.00031%); highest among the groups gnomAD compares: Non-Finnish European, 0.00042%; no homozygotes.

Submissions (5):

Women's Health and Genetics/Laboratory Corporation of America, LabCorp
Classification: Likely pathogenic for Congenital adrenal hyperplasia. Last evaluated: 2025-04-21. Review status: criteria provided, single submitter. Criteria: LabCorp Variant Classification Summary - May 2015. Collection method: clinical testing. Allele origin: germline.
Comment: Variant summary: CYP11B1 c.917C>T (p.Ala306Val) results in a non-conservative amino acid change in the encoded protein sequence. Four of five in-silico tools predict a damaging effect of the variant on protein function. The variant was absent in 251456 control chromosomes (gnomAD). c.917C>T has been observed in individuals affected with 11-beta-hydroxylase deficiency (e.g., Lee_2005, Menabo_2014). These data indicate that the variant may be associated with disease. At least one publication reports experimental evidence evaluating an impact on protein function, finding that the variant results in an almost complete loss of enzymatic activity (Menabo_2014). The following publications have been ascertained in the context of this evaluation (PMID: 15807871, 24022297). ClinVar contains an entry for this variant (Variation ID: 56833). Based on the evidence outlined above, the variant was classified as likely pathogenic.

Labcorp Genetics (formerly Invitae), Labcorp
Classification: Pathogenic. Last evaluated: 2022-10-25. Review status: criteria provided, single submitter. Criteria: Invitae Variant Classification Sherloc (09022015). Collection method: clinical testing. Allele origin: germline.
Comment: This sequence change replaces alanine, which is neutral and non-polar, with valine, which is neutral and non-polar, at codon 306 of the CYP11B1 protein (p.Ala306Val). This variant is not present in population databases (gnomAD no frequency). This missense change has been observed in individual(s) with adrenal hyperplasia (PMID: 15807871, 24022297). In at least one individual the data is consistent with being in trans (on the opposite chromosome) from a pathogenic variant. ClinVar contains an entry for this variant (Variation ID: 56833). Advanced modeling of protein sequence and biophysical properties (such as structural, functional, and spatial information, amino acid conservation, physicochemical variation, residue mobility, and thermodynamic stability) performed at Invitae indicates that this missense variant is expected to disrupt CYP11B1 protein function. Experimental studies have shown that this missense change affects CYP11B1 function (PMID: 24022297). Algorithms developed to predict the effect of sequence changes on RNA splicing suggest that this variant may create or strengthen a splice site. For these reasons, this variant has been classified as Pathogenic.

Baylor Genetics
Classification: Pathogenic for Deficiency of steroid 11-beta-monooxygenase. Last evaluated: 2022-08-30. Review status: criteria provided, single submitter. Criteria: ACMG Guidelines, 2015. Collection method: clinical testing. Allele origin: unknown.

Counsyl
Classification: Likely pathogenic for Deficiency of steroid 11-beta-monooxygenase. Last evaluated: 2017-11-30. Review status: no assertion criteria provided. Collection method: clinical testing. Allele origin: unknown. Not counted in ClinVar's aggregate classification.

Pediatric Endocrinology Laboratory; Christian Albrechts University of Kiel
No classification provided. Condition: Deficiency of steroid 11-beta-monooxygenase. Review status: no classification provided. Collection method: not provided. Allele origin: germline. Not counted in ClinVar's aggregate classification.

Literature cited by the submitters: PubMed 15807871 (cited by 3 submitters); PubMed 24022297 (cited by 3 submitters); PubMed 26280318 (cited by Counsyl).

NM_000497.4(CYP11B1):c.917C>T (p.Ala306Val)

Genes: CYP11B1 (cytochrome P450 family 11 subfamily B member 1; minus strand), LOC106799833 (CYP11B1 recombination region; plus strand). Cytogenetic location: 8q24.3.
Variant type: single nucleotide variant.
Coding change: c.917C>T on transcript NM_000497.4 (MANE Select); coding-DNA position 917, C replaced by T.
Protein change: p.Ala306Val; replaces alanine 306 with valine.
Molecular consequence: missense variant.
Genome position (GRCh38, 1-based): chr8:142,876,278, G>A on the plus strand (C>T on the coding strand, the complement: CYP11B1 is on the minus strand). VCF-style: chr8-142876278-G-A. GRCh37 (hg19) VCF-style: chr8-143957694-G-A.
Other names: c.917C>T, p.Ala306Val (NM_001026213.1); short protein forms A306V.
Identifiers: ClinVar variation 56833 (VCV000056833.13), dbSNP rs387907572, ClinGen allele CA344781.